The following is an entry in ClinVar:

NM_002294.3(LAMP2):c.1160G>C (p.Gly387Ala)

Gene: LAMP2 (lysosome associated membrane protein 2; minus strand). Cytogenetic location: Xq24.
Variant type: single nucleotide variant.
Coding change: c.1160G>C on transcript NM_002294.3 (MANE Select); coding-DNA position 1160, G replaced by C.
Protein change: p.Gly387Ala; replaces glycine 387 with alanine.
Molecular consequence: missense variant. On other transcripts: intron variant (1).
Genome position (GRCh38, 1-based): chrX:120,431,396, C>G on the plus strand (G>C on the coding strand, the complement: LAMP2 is on the minus strand). VCF-style: chrX-120431396-C-G. GRCh37 (hg19) VCF-style: chrX-119565251-C-G.
Other names: c.1094-2770G>C (NM_001122606.1); short protein forms G387A.
Identifiers: ClinVar variation 913758 (VCV000913758.9), dbSNP rs2058522449, ClinGen allele CA414398288.

ClinVar aggregate classification (germline): Uncertain significance. Review status: criteria provided, multiple submitters, no conflicts (2 of 4 stars). 3 submissions from 3 submitters: Uncertain significance (3). Last evaluated 2025-10-01.

Conditions:
Cardiovascular phenotype. Identifiers: MedGen CN230736.
Danon disease. Also called: ANTOPOL DISEASE; PSEUDOGLYCOGENOSIS II; GSD IIb; LYSOSOMAL GLYCOGEN STORAGE DISEASE WITHOUT ACID MALTASE DEFICIENCY; Glycogen Storage Disease Type IIb. Identifiers: Orphanet 34587, MedGen C0878677, MONDO:0010281, OMIM 300257.

Allele frequency attached by ClinVar (database versions not stated): gnomAD exomes 0.00001; gnomAD 0.00002; TOPMed 0.00003.
gnomAD v4.1: 6 of 1,209,111 alleles (0.0005%); highest among the groups gnomAD compares: Admixed American, 0.0066%; no homozygotes.

Submissions (3):

Labcorp Genetics (formerly Invitae), Labcorp
Classification: Uncertain significance for Danon disease. Last evaluated: 2025-10-01. Review status: criteria provided, single submitter. Criteria: Invitae Variant Classification Sherloc (09022015). Collection method: clinical testing. Allele origin: germline.
Comment: This sequence change replaces glycine, which is neutral and non-polar, with alanine, which is neutral and non-polar, at codon 387 of the LAMP2 protein (p.Gly387Ala). This variant is not present in population databases (gnomAD no frequency). This variant has not been reported in the literature in individuals affected with LAMP2-related conditions. ClinVar contains an entry for this variant (Variation ID: 913758). Invitae Evidence Modeling of protein sequence and biophysical properties (such as structural, functional, and spatial information, amino acid conservation, physicochemical variation, residue mobility, and thermodynamic stability) indicates that this missense variant is not expected to disrupt LAMP2 protein function with a negative predictive value of 80%. In summary, the available evidence is currently insufficient to determine the role of this variant in disease. Therefore, it has been classified as a Variant of Uncertain Significance.

Ambry Genetics
Classification: Uncertain significance for Cardiovascular phenotype. Last evaluated: 2022-08-17. Review status: criteria provided, single submitter. Criteria: Ambry Variant Classification Scheme 2023. Collection method: clinical testing. Allele origin: germline.

Illumina Laboratory Services, Illumina
Classification: Uncertain significance for Danon disease. Last evaluated: 2017-04-28. Review status: criteria provided, single submitter. Criteria: ICSL Variant Classification Criteria 13 December 2019. Collection method: clinical testing. Allele origin: germline.